The following is an entry in ClinVar:

NM_000718.4(CACNA1B):c.6341G>A (p.Arg2114Gln)

Gene: CACNA1B (calcium voltage-gated channel subunit alpha1 B; plus strand). Cytogenetic location: 9q34.3.
Variant type: single nucleotide variant.
Coding change: c.6341G>A on transcript NM_000718.4 (MANE Select); coding-DNA position 6341, G replaced by A.
Protein change: p.Arg2114Gln; replaces arginine 2114 with glutamine.
Molecular consequence: missense variant.
Genome position (GRCh38, 1-based): chr9:138,120,733, G>A. VCF-style: chr9-138120733-G-A. GRCh37 (hg19) VCF-style: chr9-141015185-G-A.
Other names: c.6341G>A (NM_000718.3); c.6341G>A, p.Arg2114Gln (NM_001243812.2); short protein forms R2114Q.
Identifiers: ClinVar variation 1924462 (VCV001924462.6), dbSNP rs199622481, ClinGen allele CA201873101.
Genomic context (GRCh38, chr9:138,120,733, plus strand): 5'-GGCCTACAGGCTGCCGGCGGGAACGAGAGCGCCGGCAGGAGCGGGGCCGGTCCCAGGAGC[G>A]GAGGCAGCCCTCATCCTCCTCCTCGGAGAAGCAGCGCTTCTACTCCTGCGACCGCTTTGG-3'
Protein context (NP_000709.1, residues 2104-2124): RRQERGRSQE[Arg2114Gln]RQPSSSSSEK

ClinVar aggregate classification (germline): Uncertain significance. Review status: criteria provided, multiple submitters, no conflicts (2 of 4 stars). 2 submissions from 2 submitters: Uncertain significance (2). Last evaluated 2024-11-21.

Allele frequency attached by ClinVar (database versions not stated): gnomAD exomes below 0.00001; gnomAD 0.00001; TOPMed 0.00001.
gnomAD v4.1: 6 of 1,540,380 alleles (0.00039%); highest among the groups gnomAD compares: African/African-American, 0.0042%; no homozygotes.

Submissions (2):

Ambry Genetics
Classification: Uncertain significance. Last evaluated: 2024-11-21. Review status: criteria provided, single submitter. Criteria: Ambry Variant Classification Scheme 2023. Collection method: clinical testing. Allele origin: germline.

Labcorp Genetics (formerly Invitae), Labcorp
Classification: Uncertain significance. Last evaluated: 2022-06-26. Review status: criteria provided, single submitter. Criteria: Invitae Variant Classification Sherloc (09022015). Collection method: clinical testing. Allele origin: germline.
Comment: In summary, the available evidence is currently insufficient to determine the role of this variant in disease. Therefore, it has been classified as a Variant of Uncertain Significance. Algorithms developed to predict the effect of missense changes on protein structure and function are either unavailable or do not agree on the potential impact of this missense change (SIFT: "Tolerated"; PolyPhen-2: "Probably Damaging"; Align-GVGD: "Class C0"). This variant has not been reported in the literature in individuals affected with CACNA1B-related conditions. This variant is not present in population databases (gnomAD no frequency). This sequence change replaces arginine, which is basic and polar, with glutamine, which is neutral and polar, at codon 2114 of the CACNA1B protein (p.Arg2114Gln).